The following is an entry in ClinVar:

NM_001365999.1(SZT2):c.1988T>G (p.Val663Gly)

Gene: SZT2 (SZT2 subunit of KICSTOR complex; plus strand). Cytogenetic location: 1p34.2.
Variant type: single nucleotide variant.
Coding change: c.1988T>G on transcript NM_001365999.1 (MANE Select); coding-DNA position 1988, T replaced by G.
Protein change: p.Val663Gly; replaces valine 663 with glycine.
Molecular consequence: missense variant.
Genome position (GRCh38, 1-based): chr1:43,422,834, T>G. VCF-style: chr1-43422834-T-G. GRCh37 (hg19) VCF-style: chr1-43888505-T-G.
Other names: c.1988T>G, p.Val663Gly (NM_015284.4); short protein forms V663G.
Identifiers: ClinVar variation 644719 (VCV000644719.8), dbSNP rs955697366, ClinGen allele CA21630415.
Genomic context (GRCh38, chr1:43,422,834, plus strand): 5'-CAGACCAGCCCCCCAATTCCTTCTACATGGTCCGTATCATTTCCAAGGCCCCATGCATGG[T>G]TCTTCGCCTGGGTTTTCCCATTGGCACACCAGCACCGGCCCGGCACAAGGTAAGCTGGGC-3'
Protein context (NP_001352928.1, residues 653-673): VRIISKAPCM[Val663Gly]LRLGFPIGTP

ClinVar aggregate classification (germline): Uncertain significance (1 of 4 stars; one submission).

Allele frequency attached by ClinVar (database versions not stated): gnomAD exomes 0.00001.
gnomAD v4.1: 16 of 1,593,830 alleles (0.001%); highest among the groups gnomAD compares: Non-Finnish European, 0.0014%; no homozygotes.

Submission:

Labcorp Genetics (formerly Invitae), Labcorp
Classification: Uncertain significance. Last evaluated: 2023-05-01. Review status: criteria provided, single submitter. Criteria: Invitae Variant Classification Sherloc (09022015). Collection method: clinical testing. Allele origin: germline.
Comment: This sequence change replaces valine, which is neutral and non-polar, with glycine, which is neutral and non-polar, at codon 663 of the SZT2 protein (p.Val663Gly). This variant is not present in population databases (gnomAD no frequency). This variant has not been reported in the literature in individuals affected with SZT2-related conditions. ClinVar contains an entry for this variant (Variation ID: 644719). Advanced modeling of protein sequence and biophysical properties (such as structural, functional, and spatial information, amino acid conservation, physicochemical variation, residue mobility, and thermodynamic stability) performed at Invitae indicates that this missense variant is expected to disrupt SZT2 protein function. In summary, the available evidence is currently insufficient to determine the role of this variant in disease. Therefore, it has been classified as a Variant of Uncertain Significance.